The following is an entry in ClinVar:

NM_004006.3(DMD):c.9164-3C>T

Gene: DMD (dystrophin; minus strand). Cytogenetic location: Xp21.2.
Variant type: single nucleotide variant.
Coding change: c.9164-3C>T on transcript NM_004006.3 (MANE Select); 3 bases into the intron before coding-DNA position 9164, C replaced by T.
Molecular consequence: intron variant.
Genome position (GRCh38, 1-based): chrX:31,323,661, G>A on the plus strand (C>T on the coding strand, the complement: DMD is on the minus strand). VCF-style: chrX-31323661-G-A. GRCh37 (hg19) VCF-style: chrX-31341778-G-A.
Other names: c.9164-3C>T (NM_004006.2); c.9140-3C>T (NM_000109.4); c.5141-3C>T (NM_004011.4); c.5132-3C>T (NM_004012.4); c.1784-3C>T (NM_004023.3, NM_004020.4, NM_004022.3 and 2 more transcripts); c.977-3C>T (NM_004014.3); c.9152-3C>T (NM_004009.3); c.8795-3C>T (NM_004010.3).
Identifiers: ClinVar variation 1147153 (VCV001147153.14), dbSNP rs1237165748, ClinGen allele CA641191211.
Genomic context (GRCh38, chrX:31,323,661, plus strand): 5'-ATATAGTAGGGCACTTTGTTTGGCGAGATGGCTCTCTCCCAGGGACCCTGGACAGACGCT[G>A]AAAAGAAGGGAGGAAAAAAAGAAAGGCAAGGAGGTCAAATTCATCGCAAACAGGAAAGAC-3'

ClinVar aggregate classification (germline): Conflicting classifications of pathogenicity. Review status: criteria provided, conflicting classifications (1 of 4 stars). 4 submissions from 4 submitters: Uncertain significance (2); Likely benign (2). Last evaluated 2025-12-31.

Conditions:
Duchenne muscular dystrophy (DMD). Also called: Duchenne Muscular Dystrophy (DMD); MUSCULAR DYSTROPHY, PSEUDOHYPERTROPHIC PROGRESSIVE, DUCHENNE TYPE. Identifiers: Orphanet 98896, MedGen C0013264, MONDO:0010679, OMIM 310200.
Cardiovascular phenotype. Identifiers: MedGen CN230736.
Intellectual disability. Also called: Intellectual functioning disability; intellectual disabilities; Intellectual developmental disorder. Identifiers: MedGen C3714756, MeSH D008607, MONDO:0001071, HP:0001249.

Allele frequency attached by ClinVar (database versions not stated): gnomAD exomes 0.00003 and 0.00002; TOPMed 0.00002.
gnomAD v4.1: 34 of 1,207,008 alleles (0.0028%); highest among the groups gnomAD compares: Admixed American, 0.0044%; no homozygotes.

Submissions (4):

Labcorp Genetics (formerly Invitae), Labcorp
Classification: Likely benign for Duchenne muscular dystrophy. Last evaluated: 2025-12-31. Review status: criteria provided, single submitter. Criteria: Invitae Variant Classification Sherloc (09022015). Collection method: clinical testing. Allele origin: germline.

Ambry Genetics
Classification: Uncertain significance for Cardiovascular phenotype. Last evaluated: 2022-12-09. Review status: criteria provided, single submitter. Criteria: Ambry Variant Classification Scheme 2023. Collection method: clinical testing. Allele origin: germline.
Comment: The c.9164-3C>T intronic variant results from a C to T substitution 3 nucleotides upstream from coding exon 62 in the DMD gene. Based on data from gnomAD, the T allele has an overall frequency of 0.0017% (3/179374) total alleles studied, with 2 hemizygote(s) observed. The highest observed frequency was 0.0074% (2/27192) of Latino/Admixed American alleles. This nucleotide position is highly conserved in available vertebrate species. In silico splice site analysis predicts that this alteration will not have any significant effect on splicing. Since supporting evidence is limited at this time, the clinical significance of this alteration remains unclear.

Revvity Omics, Revvity
Classification: Uncertain significance. Last evaluated: 2021-03-15. Review status: criteria provided, single submitter. Criteria: ACMG Guidelines, 2015. Collection method: clinical testing. Allele origin: germline.

Cambridge Genomics Laboratory, East Genomic Laboratory Hub, NHS Genomic Medicine Service
Classification: Likely benign for Intellectual disability. Last evaluated: 2019-07-23. Review status: criteria provided, single submitter. Criteria: ACGS Best Practice Guidelines for Variant Classification in Rare Disease 2020. Collection method: clinical testing. Allele origin: germline. Affected: yes. Observed: 1 variant allele.